The following is an entry in ClinVar:

NM_000444.6(PHEX):c.425G>A (p.Cys142Tyr)

Gene: PHEX (phosphate regulating endopeptidase X-linked; plus strand). Cytogenetic location: Xp22.11.
Variant type: single nucleotide variant.
Coding change: c.425G>A on transcript NM_000444.6 (MANE Select); coding-DNA position 425, G replaced by A.
Protein change: p.Cys142Tyr; replaces cysteine 142 with tyrosine.
Molecular consequence: missense variant.
Genome position (GRCh38, 1-based): chrX:22,076,463, G>A. VCF-style: chrX-22076463-G-A. GRCh37 (hg19) VCF-style: chrX-22094581-G-A.
Other names: c.425G>A, p.Cys142Tyr (NM_001282754.2); short protein forms C142Y.
Identifiers: ClinVar variation 4685004 (VCV004685004.1).

ClinVar aggregate classification (germline): Likely pathogenic (1 of 4 stars; one submission).

Conditions:
Familial X-linked hypophosphatemic vitamin D refractory rickets (XLHRD). Also called: Hypophosphatemic Rickets, X-Linked Dominant; X-Linked Hypophosphatemia; Hypophosphatemia, vitamin D-resistant rickets; Vitamin D-resistant rickets, X-linked; HYPOPHOSPHATEMIC VITAMIN D-RESISTANT RICKETS. Identifiers: Orphanet 89936, MedGen C0733682, MONDO:0010619, OMIM 307800.

Submission:

Kasturba Medical College, Manipal, Kasturba Medical College, Manipal, Manipal Academy of Higher Education, Manipal, India
Classification: Likely pathogenic for Familial X-linked hypophosphatemic vitamin D refractory rickets. Last evaluated: 2026-01-08. Review status: criteria provided, single submitter. Criteria: ACMG Guidelines, 2015. Collection method: research. Allele origin: de novo. Inheritance: X-linked dominant inheritance. Affected: yes. Observed: 1 hemizygote.
Comment: The variant c.425G>A is absent in the gnomAD (v4.1.0) population database, and in our in-house data of 3942 exomes. In-silico analysis tools (MutationTaster, REVEL and CADD_phred) predict the variant to be damaging to the PHEX protein function. The clinical findings observed in proband are in concordance with hypophosphatemic rickets, X-linked dominant.